The following is an entry in ClinVar:

NM_005461.5(MAFB):c.888C>G (p.Val296=)

Gene: MAFB (MAF bZIP transcription factor B; minus strand). Cytogenetic location: 20q12.
Variant type: single nucleotide variant.
Coding change: c.888C>G on transcript NM_005461.5 (MANE Select); coding-DNA position 888, C replaced by G.
Protein change: p.Val296=; no amino-acid change (valine 296 retained).
Molecular consequence: synonymous variant.
Genome position (GRCh38, 1-based): chr20:40,687,963, G>C on the plus strand (C>G on the coding strand, the complement: MAFB is on the minus strand). VCF-style: chr20-40687963-G-C. GRCh37 (hg19) VCF-style: chr20-39316603-G-C.
Identifiers: ClinVar variation 2803108 (VCV002803108.5), dbSNP rs767065484, ClinGen allele CA9857737.

ClinVar aggregate classification (germline): Uncertain significance. Review status: criteria provided, single submitter (1 of 4 stars). 2 submissions from 2 submitters: Uncertain significance (1). 1 of the submissions does not count toward it. Last evaluated 2023-01-31.

Conditions:
MAFB-related disorder. Also called: MAFB-related condition.

Allele frequency attached by ClinVar (database versions not stated): gnomAD exomes below 0.00001; ExAC 0.00001.
gnomAD v4.1: 1 of 1,614,056 alleles (0.000062%); highest among the groups gnomAD compares: Admixed American, 0.0017%; no homozygotes.

Submissions (2):

Labcorp Genetics (formerly Invitae), Labcorp
Classification: Uncertain significance. Last evaluated: 2023-01-31. Review status: criteria provided, single submitter. Criteria: Invitae Variant Classification Sherloc (09022015). Collection method: clinical testing. Allele origin: germline.
Comment: In summary, the available evidence is currently insufficient to determine the role of this variant in disease. Therefore, it has been classified as a Variant of Uncertain Significance. This variant has not been reported in the literature in individuals affected with MAFB-related conditions. This variant is present in population databases (rs767065484, gnomAD 0.006%). This sequence change affects codon 296 of the MAFB mRNA. It is a 'silent' change, meaning that it does not change the encoded amino acid sequence of the MAFB protein.

PreventionGenetics, part of Exact Sciences
Classification: Likely benign for MAFB-related condition. Last evaluated: 2021-06-23. Review status: no assertion criteria provided. Collection method: clinical testing. Allele origin: germline. Not counted in ClinVar's aggregate classification.
Comment: This variant is classified as likely benign based on ACMG/AMP sequence variant interpretation guidelines (Richards et al. 2015 PMID: 25741868, with internal and published modifications).